The following is an entry in ClinVar:

ClinVar aggregate classification (germline): Uncertain significance. Review status: criteria provided, multiple submitters, no conflicts (2 of 4 stars). 2 submissions from 2 submitters: Uncertain significance (2). Last evaluated 2024-08-24.

Conditions:
Hereditary cancer-predisposing syndrome. Also called: Tumor predisposition; Hereditary neoplastic syndrome; Hereditary Cancer Syndrome; Neoplastic Syndromes, Hereditary. Identifiers: Orphanet 140162, MedGen C0027672, MeSH D009386, MONDO:0015356.

Allele frequency attached by ClinVar (database versions not stated): gnomAD exomes below 0.00001.
gnomAD v4.1: 1 of 1,614,184 alleles (0.000062%); highest among the groups gnomAD compares: Middle Eastern, 0.017%; no homozygotes.

Submissions (2):

Ambry Genetics
Classification: Uncertain significance for Hereditary cancer-predisposing syndrome. Last evaluated: 2024-08-24. Review status: criteria provided, single submitter. Criteria: Ambry Variant Classification Scheme 2023. Collection method: clinical testing. Allele origin: germline.
Comment: The p.Y236C variant (also known as c.707A>G), located in coding exon 4 of the MSH3 gene, results from an A to G substitution at nucleotide position 707. The tyrosine at codon 236 is replaced by cysteine, an amino acid with highly dissimilar properties. This amino acid position is conserved. In addition, this alteration is predicted to be deleterious by in silico analysis. Based on the available evidence, the clinical significance of this variant remains unclear.

Labcorp Genetics (formerly Invitae), Labcorp
Classification: Uncertain significance. Last evaluated: 2024-08-14. Review status: criteria provided, single submitter. Criteria: Invitae Variant Classification Sherloc (09022015). Collection method: clinical testing. Allele origin: germline.
Comment: This sequence change replaces tyrosine, which is neutral and polar, with cysteine, which is neutral and slightly polar, at codon 236 of the MSH3 protein (p.Tyr236Cys). This variant is not present in population databases (gnomAD no frequency). This variant has not been reported in the literature in individuals affected with MSH3-related conditions. An algorithm developed to predict the effect of missense changes on protein structure and function (PolyPhen-2) suggests that this variant is likely to be disruptive. In summary, the available evidence is currently insufficient to determine the role of this variant in disease. Therefore, it has been classified as a Variant of Uncertain Significance.

NM_002439.5(MSH3):c.707A>G (p.Tyr236Cys)

Gene: MSH3 (mutS homolog 3; plus strand). Cytogenetic location: 5q14.1.
Variant type: single nucleotide variant.
Coding change: c.707A>G on transcript NM_002439.5 (MANE Select); coding-DNA position 707, A replaced by G.
Protein change: p.Tyr236Cys; replaces tyrosine 236 with cysteine.
Molecular consequence: missense variant.
Genome position (GRCh38, 1-based): chr5:80,670,224, A>G. VCF-style: chr5-80670224-A-G. GRCh37 (hg19) VCF-style: chr5-79966043-A-G.
Other names: c.707A>G (NM_002439.3); short protein forms Y236C.
Identifiers: ClinVar variation 3019566 (VCV003019566.4), dbSNP rs2546721165, ClinGen allele CA360266835.
Genomic context (GRCh38, chr5:80,670,224, plus strand): 5'-CTGCTTCCAAATCAGCTAACAAACGGTCCAAAAGCATCTATACGCCGCTAGAATTACAAT[A>G]CATAGAAATGAAGCAGCAGCACAAAGATGCAGTTTTGTGTGTGGAATGTGGATATAAGTA-3'
Protein context (NP_002430.3, residues 226-246): KSIYTPLELQ[Tyr236Cys]IEMKQQHKDA